The following is an entry in ClinVar:

ClinVar aggregate classification (germline): Pathogenic (1 of 4 stars; one submission).

Conditions:
Wilms tumor 1 (WT1). Also called: Wilms tumor, somatic. Identifiers: Orphanet 654, MedGen CN033288, MONDO:0008679, OMIM 194070.

Submission:

Labcorp Genetics (formerly Invitae), Labcorp
Classification: Pathogenic for Wilms tumor 1. Last evaluated: 2019-06-26. Review status: criteria provided, single submitter. Criteria: Invitae Variant Classification Sherloc (09022015). Collection method: clinical testing. Allele origin: germline.
Comment: This sequence change creates a premature translational stop signal (p.Tyr155Serfs*7) in the GPC3 gene. It is expected to result in an absent or disrupted protein product. This variant is not present in population databases (ExAC no frequency). This variant has not been reported in the literature in individuals with GPC3-related conditions. Loss-of-function variants in GPC3 are known to be pathogenic (PMID: 10402475, 12713262, 17603795). For these reasons, this variant has been classified as Pathogenic.

NM_004484.4(GPC3):c.460_463dup (p.Tyr155fs)

Gene: GPC3 (glypican 3; minus strand). Cytogenetic location: Xq26.2.
Variant type: Microsatellite.
Coding change: c.460_463dup on transcript NM_004484.4 (MANE Select); coding-DNA positions 460 to 463, 4 bases duplicated (CTCT; older notation c.460_463dupCTCT).
Protein change: p.Tyr155fs; shifts the reading frame from tyrosine 155.
Molecular consequence: frameshift variant.
Genome position (GRCh38, 1-based): chrX:133,754,051-133,754,054, AGAG duplicated on the plus strand (CTCT on the coding strand, the reverse complement: GPC3 is on the minus strand); duplicating any 4 consecutive bases within chrX:133,754,051-133,754,057 gives the same sequence; the c. name uses the placement nearest the transcript's 3' end. VCF-style (leftmost placement, unchanged base first): chrX-133754050-T-TAGAG. GRCh37 (hg19) VCF-style: chrX-132888077-T-TAGAG.
Other names: c.460_463dup, p.Tyr155fs (NM_001164617.2); c.412_415dup, p.Tyr139fs (NM_001164618.2); c.298_301dup, p.Tyr101fs (NM_001164619.2); short protein forms Y139fs, Y101fs, Y155fs.
Identifiers: ClinVar variation 940806 (VCV000940806.1), dbSNP rs2071701505, ClinGen allele CA2459503377.